The following is an entry in ClinVar:

ClinVar aggregate classification (germline): Uncertain significance (1 of 4 stars; one submission).

Conditions:
Familial cancer of breast. Also called: hereditary breast carcinoma; Hereditary breast cancer; BREAST CANCER, FAMILIAL. Identifiers: Orphanet 227535, MedGen C0346153, MONDO:0016419, OMIM 114480. Disease mechanism: loss of function.

Submission:

Labcorp Genetics (formerly Invitae), Labcorp
Classification: Uncertain significance for Familial cancer of breast. Last evaluated: 2021-08-05. Review status: criteria provided, single submitter. Criteria: Invitae Variant Classification Sherloc (09022015). Collection method: clinical testing. Allele origin: germline.
Comment: In summary, the available evidence is currently insufficient to determine the role of this variant in disease. Therefore, it has been classified as a Variant of Uncertain Significance. Variants that disrupt the consensus splice site are a relatively common cause of aberrant splicing (PMID: 17576681, 9536098). Algorithms developed to predict the effect of sequence changes on RNA splicing suggest that this variant may disrupt the consensus splice site. Algorithms developed to predict the effect of missense changes on protein structure and function are either unavailable or do not agree on the potential impact of this missense change (SIFT: "Deleterious"; PolyPhen-2: "Probably Damaging"; Align-GVGD: "Class C0"). This variant has not been reported in the literature in individuals affected with PALB2-related conditions. This variant is not present in population databases (ExAC no frequency). This sequence change replaces glutamine with histidine at codon 838 of the PALB2 protein (p.Gln838His). The glutamine residue is moderately conserved and there is a small physicochemical difference between glutamine and histidine. This variant also falls at the last nucleotide of exon 5, which is part of the consensus splice site for this exon.

Literature cited by the submitters: PubMed 17576681; PubMed 9536098.

NM_024675.4(PALB2):c.2514G>T (p.Gln838His)

Gene: PALB2 (partner and localizer of BRCA2; minus strand). Cytogenetic location: 16p12.2.
Variant type: single nucleotide variant.
Coding change: c.2514G>T on transcript NM_024675.4 (MANE Select); coding-DNA position 2514, G replaced by T.
Protein change: p.Gln838His; replaces glutamine 838 with histidine.
Molecular consequence: missense variant.
Genome position (GRCh38, 1-based): chr16:23,629,640, C>A on the plus strand (G>T on the coding strand, the complement: PALB2 is on the minus strand). VCF-style: chr16-23629640-C-A. GRCh37 (hg19) VCF-style: chr16-23640961-C-A.
Other names: short protein forms Q838H.
Identifiers: ClinVar variation 1372590 (VCV001372590.7), dbSNP rs1064794902, ClinGen allele CA395123915.